The following is an entry in ClinVar:

NM_017780.4(CHD7):c.3310_3311del (p.Val1103_Ile1104insTer)

Gene: CHD7 (chromodomain helicase DNA binding protein 7; plus strand). Cytogenetic location: 8q12.2.
Variant type: Deletion.
Coding change: c.3310_3311del on transcript NM_017780.4 (MANE Select); coding-DNA positions 3310 to 3311, 2 bases deleted (AT; older notation c.3310_3311delAT).
Protein change: p.Val1103_Ile1104insTer.
Molecular consequence: nonsense. On other transcripts: intron variant (1).
Genome position (GRCh38, 1-based): chr8:60,823,948-60,823,949, AT deleted. VCF-style (leftmost placement, unchanged base first): chr8-60823947-CAT-C. GRCh37 (hg19) VCF-style: chr8-61736506-CAT-C.
Other names: c.1717-38281_1717-38280del (NM_001316690.1).
Identifiers: ClinVar variation 3776174 (VCV003776174.1).

ClinVar aggregate classification (germline): Likely pathogenic (1 of 4 stars; one submission).

Conditions:
CHARGE syndrome (CHARGE). Also called: Hittner Hirsch Kreh syndrome; CHARGE ASSOCIATION--COLOBOMA, HEART ANOMALY, CHOANAL ATRESIA, RETARDATION, GENITAL AND EAR ANOMALIES; Coloboma, heart anomaly, choanal atresia, retardation, genital and ear anomalies; CHARGE association; Hall-Hittner syndrome. Identifiers: Orphanet 138, MedGen C0265354, MONDO:0008965.

Submission:

3billion
Classification: Likely pathogenic for CHD7-related CHARGE syndrome. Last evaluated: 2023-08-08. Review status: criteria provided, single submitter. Criteria: ACMG Guidelines, 2015. Collection method: clinical testing. Allele origin: germline. Affected: yes.
Comment: The variant is not observed in the gnomAD v2.1.1 dataset. Predicted Consequence/Location: Stop-gained (nonsense): predicted to result in a loss or disruption of normal protein function through nonsense-mediated decay (NMD) or protein truncation. Multiple pathogenic variants are reported downstream of the variant. Therefore, this variant is classified as Likely pathogenic according to the recommendation of ACMG/AMP guideline.